The following is an entry in ClinVar:

ClinVar aggregate classification (germline): Pathogenic (1 of 4 stars; one submission).

Submission:

Labcorp Genetics (formerly Invitae), Labcorp
Classification: Pathogenic. Last evaluated: 2022-11-01. Review status: criteria provided, single submitter. Criteria: Invitae Variant Classification Sherloc (09022015). Collection method: clinical testing. Allele origin: germline.
Comment: For these reasons, this variant has been classified as Pathogenic. A similar copy number variant has been observed in individual(s) with chondrodysplasia with joint dislocations (PMID: 28229453). A gross deletion of the genomic region encompassing the full coding sequence of the IMPAD1 gene has been identified. Loss-of-function variants in IMPAD1 are known to be pathogenic (PMID: 21549340, 22887726). The boundaries of this event are unknown as they extend beyond the assayed region for this gene and therefore may encompass additional genes.

Literature cited by the submitters: PubMed 28229453; PubMed 21549340; PubMed 22887726.

NC_000008.10:g.(?_57876352)_(57906144_?)del

Gene: BPNT2 (3'(2'), 5'-bisphosphate nucleotidase 2; minus strand). Cytogenetic location: 8q12.1.
Variant type: Deletion.
Identifiers: ClinVar variation 2426358 (VCV002426358.4).